The following is an entry in ClinVar:

ClinVar aggregate classification (germline): Pathogenic (1 of 4 stars; one submission).

Conditions:
Neurodevelopmental disorder with seizures, microcephaly, and brain abnormalities (NEDSMBA). Identifiers: MedGen C5774209, MONDO:0859283, OMIM 620024.

Submission:

Victorian Clinical Genetics Services, Murdoch Childrens Research Institute
Classification: Pathogenic for Neurodevelopmental disorder with seizures, microcephaly, and brain abnormalities. Last evaluated: 2023-07-17. Review status: criteria provided, single submitter. Criteria: ACMG Guidelines, 2015. Collection method: clinical testing. Allele origin: germline. Inheritance: Autosomal recessive inheritance. Affected: yes.
Comment: Based on the classification scheme VCGS_Germline_v1.3.4, this variant is classified as Pathogenic. Following criteria are met: 0102 - Loss of function is a known mechanism of disease in this gene and is associated with neurodevelopmental disorder with seizures, microcephaly, and brain abnormalities, (MIM#620024). (I) 0106 - This gene is associated with autosomal recessive disease. (I) 0201 - Variant is predicted to cause nonsense-mediated decay (NMD) and loss of protein (premature termination codon is located at least 54 nucleotides upstream of the final exon-exon junction). (SP) 0251 - This variant is heterozygous. (I) 0301 - Variant is absent from gnomAD (both v2 and v3). (SP) 0702 - Other NMD-predicted variants comparable to the one identified in this case have strong previous evidence for pathogenicity. These variants have been reported in multiple biallelic individuals with a neurodevelopmental disorder with microcephaly, epilepsy, and periventricular calcification (PMID: 35830857). (SP) 0807 - This variant has no previous evidence of pathogenicity. (I) 0905 - No published segregation evidence has been identified for this variant. (I) 1007 - No published functional evidence has been identified for this variant. (SP) Legend: (SP) - Supporting pathogenic, (I) - Information, (SB) - Supporting benign

Literature cited by the submitters: PubMed 35830857.

NM_003622.4(PPFIBP1):c.170del (p.Gly57fs)

Gene: PPFIBP1 (PPFIA binding protein 1; plus strand). Cytogenetic location: 12p11.22.
Variant type: Deletion.
Coding change: c.170del on transcript NM_003622.4 (MANE Select); coding-DNA position 170, one base deleted (G; older notation c.170delG).
Protein change: p.Gly57fs; shifts the reading frame from glycine 57.
Molecular consequence: frameshift variant. On other transcripts: intron variant (1).
Genome position (GRCh38, 1-based): chr12:27,635,015, G deleted; the last of 2 consecutive G bases (chr12:27,635,014-27,635,015); deleting either gives the same sequence. VCF-style (leftmost placement, unchanged base first): chr12-27635013-TG-T. GRCh37 (hg19) VCF-style: chr12-27787946-TG-T.
Other names: c.170del, p.Gly57fs (NM_001198916.2, NM_177444.3); c.-189-11047del (NM_001198915.2); short protein forms G57fs.
Identifiers: ClinVar variation 3254872 (VCV003254872.1), dbSNP rs2543706043.